The following is an entry in ClinVar:

NM_025215.6(PUS1):c.242C>A (p.Pro81Gln)

Gene: PUS1 (pseudouridine synthase 1; plus strand). Cytogenetic location: 12q24.33.
Variant type: single nucleotide variant.
Coding change: c.242C>A on transcript NM_025215.6 (MANE Select); coding-DNA position 242, C replaced by A.
Protein change: p.Pro81Gln; replaces proline 81 with glutamine.
Molecular consequence: missense variant.
Genome position (GRCh38, 1-based): chr12:131,930,074, C>A. VCF-style: chr12-131930074-C-A. GRCh37 (hg19) VCF-style: chr12-132414619-C-A.
Other names: c.158C>A, p.Pro53Gln (NM_001002019.3, NM_001002020.3); c.242C>A (NM_025215.5); short protein forms P81Q, P53Q.
Identifiers: ClinVar variation 2044678 (VCV002044678.4), dbSNP rs748792895, ClinGen allele CA6884040.

ClinVar aggregate classification (germline): Uncertain significance. Review status: criteria provided, multiple submitters, no conflicts (2 of 4 stars). 2 submissions from 2 submitters: Uncertain significance (2). Last evaluated 2025-05-13.

Conditions:
Inborn genetic diseases. Identifiers: MedGen C0950123, MeSH D030342.

Allele frequency attached by ClinVar (database versions not stated): ExAC 0.00001; TOPMed 0.00003.
gnomAD v4.1: 2 of 1,436,924 alleles (0.00014%); highest among the groups gnomAD compares: Admixed American, 0.0055%; no homozygotes.

Submissions (2):

Ambry Genetics
Classification: Uncertain significance for Inborn genetic diseases. Last evaluated: 2025-05-13. Review status: criteria provided, single submitter. Criteria: Ambry Variant Classification Scheme 2023. Collection method: clinical testing. Allele origin: germline.

Labcorp Genetics (formerly Invitae), Labcorp
Classification: Uncertain significance. Last evaluated: 2024-10-29. Review status: criteria provided, single submitter. Criteria: Invitae Variant Classification Sherloc (09022015). Collection method: clinical testing. Allele origin: germline.
Comment: This sequence change replaces proline, which is neutral and non-polar, with glutamine, which is neutral and polar, at codon 81 of the PUS1 protein (p.Pro81Gln). The frequency data for this variant in the population databases is considered unreliable, as metrics indicate poor data quality at this position in the gnomAD database. This variant has not been reported in the literature in individuals affected with PUS1-related conditions. ClinVar contains an entry for this variant (Variation ID: 2044678). Invitae Evidence Modeling of protein sequence and biophysical properties (such as structural, functional, and spatial information, amino acid conservation, physicochemical variation, residue mobility, and thermodynamic stability) indicates that this missense variant is not expected to disrupt PUS1 protein function with a negative predictive value of 80%. In summary, the available evidence is currently insufficient to determine the role of this variant in disease. Therefore, it has been classified as a Variant of Uncertain Significance.